The following is an entry in ClinVar:

NM_000059.4(BRCA2):c.8547G>A (p.Lys2849=)

Gene: BRCA2 (BRCA2 DNA repair associated; plus strand). Cytogenetic location: 13q13.1.
Variant type: single nucleotide variant.
Coding change: c.8547G>A on transcript NM_000059.4 (MANE Select); coding-DNA position 8547, G replaced by A.
Protein change: p.Lys2849=; no amino-acid change (lysine 2849 retained).
Molecular consequence: synonymous variant.
Genome position (GRCh38, 1-based): chr13:32,371,015, G>A. VCF-style: chr13-32371015-G-A. GRCh37 (hg19) VCF-style: chr13-32945152-G-A.
Identifiers: ClinVar variation 415644 (VCV000415644.23), dbSNP rs749039580, ClinGen allele CA6941258.

ClinVar aggregate classification (germline): Likely benign. Review status: reviewed by expert panel (3 of 4 stars). 5 submissions from 5 submitters: Likely benign (1). 4 of the submissions do not count toward it. Last evaluated 2017-06-29.

Conditions:
Hereditary cancer-predisposing syndrome. Also called: Tumor predisposition; Neoplastic Syndromes, Hereditary; Hereditary Cancer Syndrome; Hereditary neoplastic syndrome. Identifiers: Orphanet 140162, MedGen C0027672, MeSH D009386, MONDO:0015356.
Hereditary breast ovarian cancer syndrome. Also called: Hereditary breast and ovarian cancer; Hereditary breast and ovarian cancer syndrome (HBOC); Hereditary breast and/or ovarian cancer syndrome; Breast and ovarian cancer; Hereditary breast and ovarian cancer syndrome; BRCA1- and BRCA2-Associated Hereditary Breast and Ovarian Cancer. Identifiers: Orphanet 145, MedGen C0677776, MeSH D061325, MONDO:0003582. Disease mechanism: loss of function.
Breast-ovarian cancer, familial, susceptibility to, 2 (BROVCA2). Also called: BRCA2 Hereditary Breast and Ovarian Cancer. Identifiers: Orphanet 145, MedGen C2675520, MONDO:0012933, OMIM 612555. Disease mechanism: loss of function.

Allele frequency attached by ClinVar (database versions not stated): gnomAD exomes below 0.00001; ExAC 0.00001; TOPMed 0.00001.
gnomAD v4.1: 1 of 1,614,128 alleles (0.000062%); highest among the groups gnomAD compares: Admixed American, 0.0017%; no homozygotes.

Submissions (5):

Evidence-based Network for the Interpretation of Germline Mutant Alleles (ENIGMA)
Classification: Likely benign for Breast-ovarian cancer, familial, susceptibility to, 2. Last evaluated: 2017-06-29. Review status: reviewed by expert panel. Criteria: ENIGMA BRCA1/2 Classification Criteria (2017-06-29). Collection method: curation. Allele origin: germline.
Comment: Synonymous substitution variant, with low bioinformatic likelihood to result in a splicing aberration (Splicing prior probability 0.02).

Labcorp Genetics (formerly Invitae), Labcorp
Classification: Likely benign for Hereditary breast ovarian cancer syndrome. Last evaluated: 2025-04-27. Review status: criteria provided, single submitter. Criteria: Invitae Variant Classification Sherloc (09022015). Collection method: clinical testing. Allele origin: germline. Not counted in ClinVar's aggregate classification.

All of Us Research Program, National Institutes of Health
Classification: Likely benign for Breast-ovarian cancer, familial, susceptibility to, 2. Last evaluated: 2023-12-13. Review status: criteria provided, single submitter. Criteria: ACMG Guidelines, 2015. Collection method: clinical testing. Allele origin: germline. Inheritance: Autosomal dominant inheritance. Observed: 1 variant allele, 1 heterozygote. Not counted in ClinVar's aggregate classification.
Comment: This study involves interpretation of variants in research participants for the purpose of population health screening. Participant phenotype was not available at the time of variant classification. Additional details can be found in publication PMID: 35346344, PMCID: PMC8962531

Color Diagnostics, LLC DBA Color Health
Classification: Likely benign for Hereditary cancer-predisposing syndrome. Last evaluated: 2018-04-13. Review status: criteria provided, single submitter. Criteria: ACMG Guidelines, 2015. Collection method: clinical testing. Allele origin: germline. Not counted in ClinVar's aggregate classification.

Ambry Genetics
Classification: Likely benign for Hereditary cancer-predisposing syndrome. Last evaluated: 2016-01-08. Review status: criteria provided, single submitter. Criteria: Ambry Variant Classification Scheme 2023. Collection method: clinical testing. Allele origin: germline. Not counted in ClinVar's aggregate classification.